The following is an entry in ClinVar:

NM_000038.6(APC):c.4830_4836del (p.Gln1611fs)

Gene: APC (APC regulator of Wnt signaling pathway; plus strand). Cytogenetic location: 5q22.2.
Variant type: Deletion.
Coding change: c.4830_4836del on transcript NM_000038.6 (MANE Select); coding-DNA positions 4830 to 4836, 7 bases deleted (TCAGCTG; older notation c.4830_4836delTCAGCTG).
Protein change: p.Gln1611fs; shifts the reading frame from glutamine 1611.
Molecular consequence: frameshift variant. On other transcripts: non-coding transcript variant (2).
Genome position (GRCh38, 1-based): chr5:112,840,424-112,840,430, TCAGCTG deleted; deleting any 7 consecutive bases within chr5:112,840,423-112,840,430 gives the same sequence; the c. name uses the placement nearest the transcript's 3' end. VCF-style (leftmost placement, unchanged base first): chr5-112840422-AGTCAGCT-A. GRCh37 (hg19) VCF-style: chr5-112176119-AGTCAGCT-A.
Other names: c.4830_4836del, p.Gln1611fs (NM_001127510.3, NM_001354895.2, NM_001407450.1); c.4776_4782del, p.Gln1593fs (NM_001127511.3); c.4884_4890del, p.Gln1629fs (NM_001354896.2, NM_001407447.1, NM_001407448.1 and 1 more transcripts); c.4860_4866del, p.Gln1621fs (NM_001354897.2); c.4755_4761del, p.Gln1586fs (NM_001354898.2); c.4746_4752del, p.Gln1583fs (NM_001354899.2); c.4707_4713del, p.Gln1570fs (NM_001354900.2); c.4653_4659del, p.Gln1552fs (NM_001354901.2, NM_001407453.1); and 11 more; short protein forms Q1227fs, Q1328fs, Q1451fs, Q1482fs, Q1485fs, Q1510fs, Q1520fs, Q1528fs.
Identifiers: ClinVar variation 2584077 (VCV002584077.3), dbSNP rs2533602611, ClinGen allele CA2582341381.

ClinVar aggregate classification (germline): Pathogenic. Review status: criteria provided, multiple submitters, no conflicts (2 of 4 stars). 2 submissions from 2 submitters: Pathogenic (2). Last evaluated 2025-10-22.

Conditions:
Familial adenomatous polyposis 1 (FAP1). Also called: FAMILIAL ADENOMATOUS POLYPOSIS 1, ATTENUATED; POLYPOSIS, ADENOMATOUS INTESTINAL. Identifiers: MedGen C2713442, MONDO:0021056, OMIM 175100. Disease mechanism: loss of function.

Submissions (2):

Labcorp Genetics (formerly Invitae), Labcorp
Classification: Pathogenic for Familial adenomatous polyposis 1. Last evaluated: 2025-10-22. Review status: criteria provided, single submitter. Criteria: Invitae Variant Classification Sherloc (09022015). Collection method: clinical testing. Allele origin: germline.
Comment: This sequence change creates a premature translational stop signal (p.Gln1611Leufs*37) in the APC gene. While this is not anticipated to result in nonsense mediated decay, it is expected to disrupt the last 1233 amino acid(s) of the APC protein. This variant is not present in population databases (gnomAD no frequency). This variant has not been reported in the literature in individuals affected with APC-related conditions. ClinVar contains an entry for this variant (Variation ID: 2584077). This variant is expected to disrupt the EB1 and HDLG binding sites, which mediate interactions with the cytoskeleton (PMID: 15311282, 17293347). While functional studies have not been performed to directly test the effect on APC protein function, this suggests that disruption of the C-terminal portion of the protein is functionally important. A different truncation (p.Tyr2645Lysfs*14) that lies downstream of this variant has been determined to be pathogenic (PMID: 9824584, 1316610, 27081525, 8381579, 22135120, internal data). This suggests that deletion of this region of the APC protein is causative of disease. For these reasons, this variant has been classified as Pathogenic.

Myriad Genetics, Inc.
Classification: Pathogenic for Familial adenomatous polyposis 1. Last evaluated: 2023-05-12. Review status: criteria provided, single submitter. Criteria: Myriad Autosomal Dominant, Autosomal Recessive and X-Linked Classification Criteria (2023). Collection method: clinical testing. Allele origin: unknown.
Comment: This variant is considered pathogenic. This variant creates a frameshift predicted to result in premature protein truncation.

Literature cited by the submitters: PubMed 15311282 (cited by Labcorp Genetics (formerly Invitae), Labcorp); PubMed 17293347 (cited by Labcorp Genetics (formerly Invitae), Labcorp); PubMed 9824584 (cited by Labcorp Genetics (formerly Invitae), Labcorp); PubMed 1316610 (cited by Labcorp Genetics (formerly Invitae), Labcorp); PubMed 27081525 (cited by Labcorp Genetics (formerly Invitae), Labcorp); PubMed 8381579 (cited by Labcorp Genetics (formerly Invitae), Labcorp); PubMed 22135120 (cited by Labcorp Genetics (formerly Invitae), Labcorp).